The following is an entry in ClinVar:

ClinVar aggregate classification (germline): Uncertain significance (1 of 4 stars; one submission).

Conditions:
Long QT syndrome (LQTS). Identifiers: MedGen C0023976, MeSH D008133, MONDO:0002442. Disease mechanism: loss of function. Inheritance: Various modes of inheritance.

Submission:

Labcorp Genetics (formerly Invitae), Labcorp
Classification: Uncertain significance for Long QT syndrome. Last evaluated: 2021-12-18. Review status: criteria provided, single submitter. Criteria: Invitae Variant Classification Sherloc (09022015). Collection method: clinical testing. Allele origin: germline.
Comment: This variant has not been reported in the literature in individuals affected with AKAP9-related conditions. In summary, the available evidence is currently insufficient to determine the role of this variant in disease. Therefore, it has been classified as a Variant of Uncertain Significance. Algorithms developed to predict the effect of missense changes on protein structure and function are either unavailable or do not agree on the potential impact of this missense change (SIFT: "Deleterious"; PolyPhen-2: "Probably Damaging"; Align-GVGD: "Class C0"). This variant is not present in population databases (gnomAD no frequency). This sequence change replaces glutamine, which is neutral and polar, with arginine, which is basic and polar, at codon 3385 of the AKAP9 protein (p.Gln3385Arg).

NM_005751.5(AKAP9):c.10154A>G (p.Gln3385Arg)

Gene: AKAP9 (A-kinase anchoring protein 9; plus strand). Cytogenetic location: 7q21.2.
Variant type: single nucleotide variant.
Coding change: c.10154A>G on transcript NM_005751.5 (MANE Select); coding-DNA position 10154, A replaced by G.
Protein change: p.Gln3385Arg; replaces glutamine 3385 with arginine.
Molecular consequence: missense variant.
Genome position (GRCh38, 1-based): chr7:92,097,113, A>G. VCF-style: chr7-92097113-A-G. GRCh37 (hg19) VCF-style: chr7-91726427-A-G.
Other names: c.4799A>G, p.Gln1600Arg (NM_001379277.1); c.10130A>G, p.Gln3377Arg (NM_147185.3); short protein forms Q1600R, Q3377R, Q3385R.
Identifiers: ClinVar variation 2046289 (VCV002046289.4), dbSNP rs2535300670, ClinGen allele CA368154022.